The following is an entry in ClinVar:

NM_145038.5(DRC1):c.1692C>T (p.Ile564=)

Gene: DRC1 (dynein regulatory complex subunit 1; plus strand). Cytogenetic location: 2p23.3.
Variant type: single nucleotide variant.
Coding change: c.1692C>T on transcript NM_145038.5 (MANE Select); coding-DNA position 1692, C replaced by T.
Protein change: p.Ile564=; no amino-acid change (isoleucine 564 retained).
Molecular consequence: synonymous variant.
Genome position (GRCh38, 1-based): chr2:26,453,322, C>T. VCF-style: chr2-26453322-C-T. GRCh37 (hg19) VCF-style: chr2-26676190-C-T.
Other names: c.1692C>T (NM_145038.4).
Identifiers: ClinVar variation 697793 (VCV000697793.13), dbSNP rs150385105, ClinGen allele CA1562384.
Genomic context (GRCh38, chr2:26,453,322, plus strand): 5'-TCTCCATGCTCATGCTCGTGTGTCCCCAGCCCACAGTTGTCCGTGCATCTTTCTCCAGAT[C>T]AAGCCCTGCAGTCAGGCGAGCATGGAGAAGGCGAGCATGGAGGAGACAAGCACGAGGTCA-3'
Protein context (NP_659475.2, residues 554-574): RAHRLSSSLQ[Ile564=]KPCSQASMEK

ClinVar aggregate classification (germline): Benign. Review status: criteria provided, single submitter (1 of 4 stars). 2 submissions from 2 submitters: Benign (1). 1 of the submissions does not count toward it. Last evaluated 2025-12-21.

Conditions:
Primary ciliary dyskinesia. Also called: Ciliary dyskinesia. Identifiers: Orphanet 244, MedGen C0008780, MONDO:0016575, HP:0012265.
DRC1-related disorder. Also called: DRC1-related condition.

Allele frequency attached by ClinVar (database versions not stated): TOPMed 0.00018; ESP Exome Variant Server 0.00054; 1000 Genomes Project 30x 0.00078; 1000 Genomes Project 0.00100; gnomAD 0.00169 and 0.00177; ExAC 0.00224; gnomAD exomes 0.00243.
gnomAD v4.1: 1,663 of 1,614,124 alleles (0.1%); highest among the groups gnomAD compares: Non-Finnish European, 0.027%; 13 homozygotes.

Submissions (2):

Labcorp Genetics (formerly Invitae), Labcorp
Classification: Benign for Primary ciliary dyskinesia. Last evaluated: 2025-12-21. Review status: criteria provided, single submitter. Criteria: Invitae Variant Classification Sherloc (09022015). Collection method: clinical testing. Allele origin: germline.

PreventionGenetics, part of Exact Sciences
Classification: Benign for DRC1-related condition. Last evaluated: 2019-05-03. Review status: no assertion criteria provided. Collection method: clinical testing. Allele origin: germline. Not counted in ClinVar's aggregate classification.
Comment: This variant is classified as benign based on ACMG/AMP sequence variant interpretation guidelines (Richards et al. 2015 PMID: 25741868, with internal and published modifications).